The following is an entry in ClinVar:

NM_000466.3(PEX1):c.2308C>T (p.Gln770Ter)

Gene: PEX1 (peroxisomal biogenesis factor 1; minus strand). Cytogenetic location: 7q21.2.
Variant type: single nucleotide variant.
Coding change: c.2308C>T on transcript NM_000466.3 (MANE Select); coding-DNA position 2308, C replaced by T.
Protein change: p.Gln770Ter; replaces glutamine 770 with a stop codon.
Molecular consequence: nonsense.
Genome position (GRCh38, 1-based): chr7:92,501,998, G>A on the plus strand (C>T on the coding strand, the complement: PEX1 is on the minus strand). VCF-style: chr7-92501998-G-A. GRCh37 (hg19) VCF-style: chr7-92131312-G-A.
Other names: c.2137C>T, p.Gln713Ter (NM_001282677.2); c.1684C>T, p.Gln562Ter (NM_001282678.2); short protein forms Q562*, Q713*, Q770*.
Identifiers: ClinVar variation 2677645 (VCV002677645.4), dbSNP rs751076530, ClinGen allele CA368177961.

ClinVar aggregate classification (germline): Pathogenic/Likely pathogenic. Review status: criteria provided, multiple submitters, no conflicts (2 of 4 stars). 2 submissions from 2 submitters: Pathogenic (1); Likely pathogenic (1). Last evaluated 2023-09-11.

Conditions:
Heimler syndrome 1 (HMLR1). Also called: PEROXISOME BIOGENESIS DISORDER 1C. Identifiers: Orphanet 3220, MedGen C4551980, OMIM 234580, MONDO:0024544.
Zellweger spectrum disorders (ZS). Also called: Zellweger syndrome; Zellweger Spectrum Disorder (ZSD); Zellweger Spectrum Disorder; Zellweger Spectrum. Identifiers: Orphanet 912, MedGen C0043459, MONDO:0019609.

Submissions (2):

Labcorp Genetics (formerly Invitae), Labcorp
Classification: Pathogenic for Zellweger spectrum disorders. Last evaluated: 2023-09-11. Review status: criteria provided, single submitter. Criteria: Invitae Variant Classification Sherloc (09022015). Collection method: clinical testing. Allele origin: germline.
Comment: For these reasons, this variant has been classified as Pathogenic. This variant has not been reported in the literature in individuals affected with PEX1-related conditions. This variant is not present in population databases (gnomAD no frequency). This sequence change creates a premature translational stop signal (p.Gln770*) in the PEX1 gene. It is expected to result in an absent or disrupted protein product. Loss-of-function variants in PEX1 are known to be pathogenic (PMID: 21031596, 26387595, 31831025).

Baylor Genetics
Classification: Likely pathogenic for Heimler syndrome 1. Last evaluated: 2021-10-28. Review status: criteria provided, single submitter. Criteria: ACMG Guidelines, 2015. Collection method: clinical testing. Allele origin: unknown.

Literature cited by the submitters: PubMed 21031596 (cited by Labcorp Genetics (formerly Invitae), Labcorp); PubMed 26387595 (cited by Labcorp Genetics (formerly Invitae), Labcorp); PubMed 31831025 (cited by Labcorp Genetics (formerly Invitae), Labcorp).